The following is an entry in ClinVar:

NM_005188.4(CBL):c.2105C>T (p.Thr702Ile)

Gene: CBL (Cbl proto-oncogene; plus strand). Cytogenetic location: 11q23.3.
Variant type: single nucleotide variant.
Coding change: c.2105C>T on transcript NM_005188.4 (MANE Select); coding-DNA position 2105, C replaced by T.
Protein change: p.Thr702Ile; replaces threonine 702 with isoleucine.
Molecular consequence: missense variant.
Genome position (GRCh38, 1-based): chr11:119,296,986, C>T. VCF-style: chr11-119296986-C-T. GRCh37 (hg19) VCF-style: chr11-119167696-C-T.
Other names: short protein forms T702I.
Identifiers: ClinVar variation 3634402 (VCV003634402.2).

ClinVar aggregate classification (germline): Uncertain significance (1 of 4 stars; one submission).

Conditions:
RASopathy. Also called: rasopathies; Noonan spectrum disorder. Identifiers: Orphanet 536391, MedGen C5555857, MONDO:0021060.

Submission:

Labcorp Genetics (formerly Invitae), Labcorp
Classification: Uncertain significance for RASopathy. Last evaluated: 2024-10-05. Review status: criteria provided, single submitter. Criteria: Invitae Variant Classification Sherloc (09022015). Collection method: clinical testing. Allele origin: germline.
Comment: This sequence change replaces threonine, which is neutral and polar, with isoleucine, which is neutral and non-polar, at codon 702 of the CBL protein (p.Thr702Ile). This variant is not present in population databases (gnomAD no frequency). This variant has not been reported in the literature in individuals affected with CBL-related conditions. Invitae Evidence Modeling of protein sequence and biophysical properties (such as structural, functional, and spatial information, amino acid conservation, physicochemical variation, residue mobility, and thermodynamic stability) indicates that this missense variant is not expected to disrupt CBL protein function with a negative predictive value of 95%. In summary, the available evidence is currently insufficient to determine the role of this variant in disease. Therefore, it has been classified as a Variant of Uncertain Significance.